The following is an entry in ClinVar:

ClinVar aggregate classification (germline): Benign/Likely benign. Review status: criteria provided, multiple submitters, no conflicts (2 of 4 stars). 7 submissions from 7 submitters: Benign (3); Likely benign (4). Last evaluated 2026-08-01.

Conditions:
MYH2-related disorder. Also called: MYH2-related condition.
Myopathy, proximal, and ophthalmoplegia (CMYO6). Also called: CONGENITAL MYOPATHY 6 WITH OPHTHALMOPLEGIA; MYOPATHY WITH CONGENITAL JOINT CONTRACTURES, OPHTHALMOPLEGIA, AND RIMMED VACUOLES; INCLUSION BODY MYOPATHY 3, AUTOSOMAL DOMINANT. Identifiers: Orphanet 363677, Orphanet 79091, MedGen C1854106, MONDO:0011577, OMIM 605637.

Allele frequency attached by ClinVar (database versions not stated): gnomAD exomes 0.00029 and 0.00091; ExAC 0.00110; gnomAD 0.00359 and 0.00375; ESP Exome Variant Server 0.00361; 1000 Genomes Project 30x 0.00375; TOPMed 0.00376; 1000 Genomes Project 0.00399.
gnomAD v4.1: 988 of 1,614,214 alleles (0.061%); highest among the groups gnomAD compares: African/African-American, 1.2%; 2 homozygotes.

Submissions (7):

CeGaT Center for Human Genetics Tuebingen
Classification: Likely benign. Last evaluated: 2026-08-01. Review status: criteria provided, single submitter. Criteria: CeGaT Center For Human Genetics Tuebingen Variant Classification Criteria Version 2. Collection method: clinical testing. Allele origin: germline. Affected: yes. Observed: 1 variant allele.
Comment: MYH2: BP4, BP7, BS1

Labcorp Genetics (formerly Invitae), Labcorp
Classification: Benign for Myopathy, proximal, and ophthalmoplegia. Last evaluated: 2026-01-24. Review status: criteria provided, single submitter. Criteria: Invitae Variant Classification Sherloc (09022015). Collection method: clinical testing. Allele origin: germline.

PreventionGenetics, part of Exact Sciences
Classification: Benign for MYH2-related condition. Last evaluated: 2025-01-14. Review status: criteria provided, single submitter. Criteria: ACMG Guidelines, 2015. Collection method: clinical testing. Allele origin: germline.
Comment: This variant is classified as benign based on ACMG/AMP sequence variant interpretation guidelines (Richards et al. 2015 PMID: 25741868, with internal and published modifications).

Blueprint Genetics
Classification: Likely benign. Last evaluated: 2024-11-25. Review status: criteria provided, single submitter. Criteria: ACMG Guidelines, 2015. Collection method: clinical testing. Allele origin: germline.

GeneDx
Classification: Likely benign. Last evaluated: 2020-02-24. Review status: criteria provided, single submitter. Criteria: GeneDx Variant Classification Process June 2021. Collection method: clinical testing. Allele origin: germline. Affected: yes.

Eurofins Ntd Llc (ga)
Classification: Benign. Last evaluated: 2015-12-22. Review status: criteria provided, single submitter. Criteria: EGL Classification Definitions 2015. Collection method: clinical testing. Allele origin: germline. Observed: 1 variant allele, 1 heterozygote.

Breakthrough Genomics
Classification: Likely benign. Review status: criteria provided, single submitter. Criteria: ACMG Guidelines, 2015. Collection method: not provided. Allele origin: germline. Inheritance: Autosomal dominant inheritance. Affected: yes.

NM_017534.6(MYH2):c.4989G>A (p.Leu1663=)

Genes: MYH2 (myosin heavy chain 2; minus strand), MYHAS (myosin heavy chain gene cluster antisense RNA; plus strand), LOC126862500 (BRD4-independent group 4 enhancer GRCh37_chr17:10427829-10429028; plus strand). Cytogenetic location: 17p13.1.
Variant type: single nucleotide variant.
Coding change: c.4989G>A on transcript NM_017534.6 (MANE Select); coding-DNA position 4989, G replaced by A.
Protein change: p.Leu1663=; no amino-acid change (leucine 1663 retained).
Molecular consequence: synonymous variant.
Genome position (GRCh38, 1-based): chr17:10,524,652, C>T on the plus strand (G>A on the coding strand, the complement: MYH2 is on the minus strand). VCF-style: chr17-10524652-C-T. GRCh37 (hg19) VCF-style: chr17-10427969-C-T.
Other names: c.4989G>A, p.Leu1663= (NM_001100112.2).
Identifiers: ClinVar variation 284838 (VCV000284838.27), dbSNP rs61736461, ClinGen allele CA8390515.
Genomic context (GRCh38, chr17:10,524,652, plus strand): 5'-TCTGCGCTCCACCATGGCCAGCTGTTCCTTCAGGTCCTCCTGGCTCCGGAGAGCATCATC[C>T]AGGTGGATCTGGGTATCCTGTGAAACAAACCATCATTGAGACATCATGTTCTCAGGGTTG-3'
Protein context (NP_060004.3, residues 1653-1673): QGILKDTQIH[Leu1663=]DDALRSQEDL